The following is an entry in ClinVar:

ClinVar aggregate classification (germline): Uncertain significance (1 of 4 stars; one submission).

Conditions:
Developmental and epileptic encephalopathy, 32 (DEE32). Also called: Epileptic encephalopathy, early infantile, 32. Identifiers: Orphanet 442835, MedGen C4225350, MONDO:0014607, OMIM 616366.

Submission:

Labcorp Genetics (formerly Invitae), Labcorp
Classification: Uncertain significance for Developmental and epileptic encephalopathy, 32. Last evaluated: 2024-04-25. Review status: criteria provided, single submitter. Criteria: Invitae Variant Classification Sherloc (09022015). Collection method: clinical testing. Allele origin: germline.
Comment: This sequence change replaces threonine, which is neutral and polar, with alanine, which is neutral and non-polar, at codon 493 of the KCNA2 protein (p.Thr493Ala). This variant is not present in population databases (gnomAD no frequency). This variant has not been reported in the literature in individuals affected with KCNA2-related conditions. Advanced modeling of protein sequence and biophysical properties (such as structural, functional, and spatial information, amino acid conservation, physicochemical variation, residue mobility, and thermodynamic stability) performed at Invitae indicates that this missense variant is not expected to disrupt KCNA2 protein function with a negative predictive value of 95%. In summary, the available evidence is currently insufficient to determine the role of this variant in disease. Therefore, it has been classified as a Variant of Uncertain Significance.

NM_004974.4(KCNA2):c.1477A>G (p.Thr493Ala)

Gene: KCNA2 (potassium voltage-gated channel subfamily A member 2; minus strand). Cytogenetic location: 1p13.3.
Variant type: single nucleotide variant.
Coding change: c.1477A>G on transcript NM_004974.4 (MANE Select); coding-DNA position 1477, A replaced by G.
Protein change: p.Thr493Ala; replaces threonine 493 with alanine.
Molecular consequence: missense variant. On other transcripts: intron variant (1).
Genome position (GRCh38, 1-based): chr1:110,603,306, T>C on the plus strand (A>G on the coding strand, the complement: KCNA2 is on the minus strand). VCF-style: chr1-110603306-T-C. GRCh37 (hg19) VCF-style: chr1-111145928-T-C.
Other names: c.894+583A>G (NM_001204269.2); short protein forms T493A.
Identifiers: ClinVar variation 3683276 (VCV003683276.2).